The following is an entry in ClinVar:

ClinVar aggregate classification (germline): Uncertain significance. Review status: criteria provided, multiple submitters, no conflicts (2 of 4 stars). 2 submissions from 2 submitters: Uncertain significance (2). Last evaluated 2023-05-22.

Conditions:
Glycogen storage disease IXd (GSD9D). Also called: GSD IXd; Muscle Phosphorylase Kinase Deficiency. Identifiers: Orphanet 715, MedGen C1845151, MONDO:0010362, OMIM 300559.

Allele frequency attached by ClinVar (database versions not stated): gnomAD exomes below 0.00001 and 0.00001; TOPMed below 0.00001; ExAC 0.00001.
gnomAD v4.1: 6 of 1,190,512 alleles (0.0005%); highest among the groups gnomAD compares: Non-Finnish European, 0.00034%; no homozygotes.

Submissions (2):

Labcorp Genetics (formerly Invitae), Labcorp
Classification: Uncertain significance for Glycogen storage disease IXd. Last evaluated: 2023-05-22. Review status: criteria provided, single submitter. Criteria: Invitae Variant Classification Sherloc (09022015). Collection method: clinical testing. Allele origin: germline.
Comment: ClinVar contains an entry for this variant (Variation ID: 913675). This variant has not been reported in the literature in individuals affected with PHKA1-related conditions. The frequency data for this variant in the population databases is considered unreliable, as metrics indicate poor data quality at this position in the gnomAD database. This sequence change replaces arginine, which is basic and polar, with lysine, which is basic and polar, at codon 379 of the PHKA1 protein (p.Arg379Lys). Algorithms developed to predict the effect of missense changes on protein structure and function output the following: SIFT: "Not Available"; PolyPhen-2: "Benign"; Align-GVGD: "Not Available". The lysine amino acid residue is found in multiple mammalian species, which suggests that this missense change does not adversely affect protein function. In summary, the available evidence is currently insufficient to determine the role of this variant in disease. Therefore, it has been classified as a Variant of Uncertain Significance.

Illumina Laboratory Services, Illumina
Classification: Uncertain significance for Glycogen storage disease IXd. Last evaluated: 2018-01-12. Review status: criteria provided, single submitter. Criteria: ICSL Variant Classification Criteria 13 December 2019. Collection method: clinical testing. Allele origin: germline.

NM_002637.4(PHKA1):c.1136G>A (p.Arg379Lys)

Gene: PHKA1 (phosphorylase kinase regulatory subunit alpha 1; minus strand). Cytogenetic location: Xq13.1.
Variant type: single nucleotide variant.
Coding change: c.1136G>A on transcript NM_002637.4 (MANE Select); coding-DNA position 1136, G replaced by A.
Protein change: p.Arg379Lys; replaces arginine 379 with lysine.
Molecular consequence: missense variant.
Genome position (GRCh38, 1-based): chrX:72,653,436, C>T on the plus strand (G>A on the coding strand, the complement: PHKA1 is on the minus strand). VCF-style: chrX-72653436-C-T. GRCh37 (hg19) VCF-style: chrX-71873286-C-T.
Other names: c.1136G>A, p.Arg379Lys (NM_001122670.2, NM_001172436.2); short protein forms R379K.
Identifiers: ClinVar variation 913675 (VCV000913675.7), dbSNP rs782491605, ClinGen allele CA10450932.
Genomic context (GRCh38, chrX:72,653,436, plus strand): 5'-TGATCAAGGTACTGCTCCTCTTCTCTATCAGCTACATGTTATGGCACTGTCTGACTCACC[C>T]TGTCAGGAGGAACACTGTACAGCTCTGGCAGAAGTGGGACTCCATTTTTGCCCTTGATGA-3'
Protein context (NP_002628.2, residues 369-389): LPELYSVPPD[Arg379Lys]VDEEYQNPHT